The following is an entry in ClinVar:

NM_030665.4(RAI1):c.2512C>G (p.Leu838Val)

Gene: RAI1 (retinoic acid induced 1; plus strand). Cytogenetic location: 17p11.2.
Variant type: single nucleotide variant.
Coding change: c.2512C>G on transcript NM_030665.4 (MANE Select); coding-DNA position 2512, C replaced by G.
Protein change: p.Leu838Val; replaces leucine 838 with valine.
Molecular consequence: missense variant.
Genome position (GRCh38, 1-based): chr17:17,795,460, C>G. VCF-style: chr17-17795460-C-G. GRCh37 (hg19) VCF-style: chr17-17698774-C-G.
Other names: short protein forms L838V.
Identifiers: ClinVar variation 2718846 (VCV002718846.3), dbSNP rs2508582016, ClinGen allele CA398551405.

ClinVar aggregate classification (germline): Uncertain significance (1 of 4 stars; one submission).

Submission:

Labcorp Genetics (formerly Invitae), Labcorp
Classification: Uncertain significance. Last evaluated: 2023-06-18. Review status: criteria provided, single submitter. Criteria: Invitae Variant Classification Sherloc (09022015). Collection method: clinical testing. Allele origin: germline.
Comment: In summary, the available evidence is currently insufficient to determine the role of this variant in disease. Therefore, it has been classified as a Variant of Uncertain Significance. This sequence change replaces leucine, which is neutral and non-polar, with valine, which is neutral and non-polar, at codon 838 of the RAI1 protein (p.Leu838Val). This variant is not present in population databases (gnomAD no frequency). This variant has not been reported in the literature in individuals affected with RAI1-related conditions. An algorithm developed to predict the effect of missense changes on protein structure and function (PolyPhen-2) suggests that this variant is likely to be disruptive.